The following is an entry in ClinVar:

NM_019066.5(MAGEL2):c.2824G>T (p.Gly942Cys)

Gene: MAGEL2 (MAGE family member L2; minus strand). Cytogenetic location: 15q11.2.
Variant type: single nucleotide variant.
Coding change: c.2824G>T on transcript NM_019066.5 (MANE Select); coding-DNA position 2824, G replaced by T.
Protein change: p.Gly942Cys; replaces glycine 942 with cysteine.
Molecular consequence: missense variant.
Genome position (GRCh38, 1-based): chr15:23,644,919, C>A on the plus strand (G>T on the coding strand, the complement: MAGEL2 is on the minus strand). VCF-style: chr15-23644919-C-A. GRCh37 (hg19) VCF-style: chr15-23890066-C-A.
Other names: short protein forms G942C.
Identifiers: ClinVar variation 3348839 (VCV003348839.1).

ClinVar aggregate classification (germline): Uncertain significance (0 of 4 stars; one submission).

Conditions:
MAGEL2-related disorder. Also called: MAGEL2-related condition.

gnomAD v4.1: 1 of 1,613,468 alleles (0.000062%); highest among the groups gnomAD compares: Admixed American, 0.0017%; no homozygotes.

Submission:

PreventionGenetics, part of Exact Sciences
Classification: Uncertain significance for MAGEL2-related condition. Last evaluated: 2024-02-28. Review status: no assertion criteria provided. Collection method: clinical testing. Allele origin: germline.
Comment: The MAGEL2 c.2824G>T variant is predicted to result in the amino acid substitution p.Gly942Cys. To our knowledge, this variant has not been reported in the literature. This variant is reported in 0.0029% of alleles in individuals of Latino descent in gnomAD. At this time, the clinical significance of this variant is uncertain due to the absence of conclusive functional and genetic evidence.